The following is an entry in ClinVar:

ClinVar aggregate classification (germline): Conflicting classifications of pathogenicity. Review status: criteria provided, conflicting classifications (1 of 4 stars). 2 submissions from 2 submitters: Likely pathogenic (1); Uncertain significance (1). Last evaluated 2025-07-14.

Conditions:
Hereditary cancer-predisposing syndrome. Also called: Hereditary neoplastic syndrome; Tumor predisposition; Neoplastic Syndromes, Hereditary; Hereditary Cancer Syndrome. Identifiers: Orphanet 140162, MedGen C0027672, MeSH D009386, MONDO:0015356.

Submissions (2):

Ambry Genetics
Classification: Uncertain significance for Hereditary cancer-predisposing syndrome. Last evaluated: 2025-07-14. Review status: criteria provided, single submitter. Criteria: Ambry Variant Classification Scheme 2023. Collection method: clinical testing. Allele origin: germline.
Comment: The c.4290+1G>C intronic variant results from a G to C substitution one nucleotide after coding exon 33 of the POLE gene. Alterations that disrupt the canonical splice site are expected to result in aberrant splicing. In silico splice site analysis predicts that this alteration will weaken the native splice donor site. A resulting transcript is predicted to be in-frame and is not expected to trigger nonsense-mediated mRNAdecay; although, direct evidence is unavailable. This nucleotide position is highly conserved in available vertebrate species. Based on the available evidence, the clinical significance of this variant remains unclear.

Labcorp Genetics (formerly Invitae), Labcorp
Classification: Likely pathogenic. Last evaluated: 2024-07-30. Review status: criteria provided, single submitter. Criteria: Invitae Variant Classification Sherloc (09022015). Collection method: clinical testing. Allele origin: germline.
Comment: This sequence change affects a donor splice site in intron 33 of the POLE gene. It is expected to disrupt RNA splicing. Variants that disrupt the donor or acceptor splice site typically lead to a loss of protein function (PMID: 16199547), and loss-of-function variants in POLE are known to be pathogenic (PMID: 23230001, 25948378, 30503519). This variant is not present in population databases (gnomAD no frequency). This variant has not been reported in the literature in individuals affected with POLE-related conditions. ClinVar contains an entry for this variant (Variation ID: 569868). Algorithms developed to predict the effect of sequence changes on RNA splicing suggest that this variant may disrupt the consensus splice site. In summary, the currently available evidence indicates that the variant is pathogenic, but additional data are needed to prove that conclusively. Therefore, this variant has been classified as Likely Pathogenic.

Literature cited by the submitters: PubMed 16199547 (cited by Labcorp Genetics (formerly Invitae), Labcorp); PubMed 23230001 (cited by Labcorp Genetics (formerly Invitae), Labcorp); PubMed 25948378 (cited by Labcorp Genetics (formerly Invitae), Labcorp); PubMed 30503519 (cited by Labcorp Genetics (formerly Invitae), Labcorp).

NM_006231.4(POLE):c.4290+1G>C

Gene: POLE (DNA polymerase epsilon, catalytic subunit; minus strand). Cytogenetic location: 12q24.33.
Variant type: single nucleotide variant.
Coding change: c.4290+1G>C on transcript NM_006231.4 (MANE Select); the canonical splice donor site of the intron after coding-DNA position 4290, G replaced by C.
Molecular consequence: splice donor variant.
Genome position (GRCh38, 1-based): chr12:132,643,836, C>G on the plus strand (G>C on the coding strand, the complement: POLE is on the minus strand). VCF-style: chr12-132643836-C-G. GRCh37 (hg19) VCF-style: chr12-133220422-C-G.
Identifiers: ClinVar variation 569868 (VCV000569868.14), dbSNP rs1565940214, ClinGen allele CA387381730.